The following is an entry in ClinVar:

NM_001148.6(ANK2):c.5923G>A (p.Val1975Ile)

Genes: ANK2 (ankyrin 2; plus strand), LOC126807136 (MED14-independent group 3 enhancer GRCh37_chr4:114274931-114276130; plus strand). Cytogenetic location: 4q26.
Variant type: single nucleotide variant.
Coding change: c.5923G>A on transcript NM_001148.6 (MANE Select); coding-DNA position 5923, G replaced by A.
Protein change: p.Val1975Ile; replaces valine 1975 with isoleucine.
Molecular consequence: missense variant. On other transcripts: intron variant (68).
Genome position (GRCh38, 1-based): chr4:113,354,541, G>A. VCF-style: chr4-113354541-G-A. GRCh37 (hg19) VCF-style: chr4-114275697-G-A.
Other names: c.5689G>A, p.Val1897Ile (NM_001386142.1); c.2323G>A, p.Val775Ile (NM_001386166.1); c.6064G>A, p.Val2022Ile (NM_001386174.1); c.6040G>A, p.Val2014Ile (NM_001386175.1); c.4411+4292G>A (NM_001386186.2, NM_001386148.2); c.4213+4292G>A (NM_001354269.3); c.4291+4292G>A (NM_001386187.2); c.4252+4292G>A (NM_001386147.1); and 35 more; short protein forms V2022I, V775I, V1897I, V1975I, V2014I.
Identifiers: ClinVar variation 4746583 (VCV004746583.2).

ClinVar aggregate classification (germline): Uncertain significance. Review status: criteria provided, multiple submitters, no conflicts (2 of 4 stars). 2 submissions from 2 submitters: Uncertain significance (2). Last evaluated 2026-06-14.

Conditions:
Long QT syndrome (LQTS). Identifiers: MedGen C0023976, MeSH D008133, MONDO:0002442. Disease mechanism: loss of function. Inheritance: Various modes of inheritance.
Cardiovascular phenotype. Identifiers: MedGen CN230736.

gnomAD v4.1: 36 of 1,614,110 alleles (0.0022%); highest among the groups gnomAD compares: Non-Finnish European, 0.0031%; no homozygotes.

Submissions (2):

Ambry Genetics
Classification: Uncertain significance for Cardiovascular phenotype. Last evaluated: 2026-06-14. Review status: criteria provided, single submitter. Criteria: Ambry Variant Classification Scheme 2023. Collection method: clinical testing. Allele origin: germline.
Comment: The p.V1975I variant (also known as c.5923G>A), located in coding exon 38 of the ANK2 gene, results from a G to A substitution at nucleotide position 5923. The valine at codon 1975 is replaced by isoleucine, an amino acid with highly similar properties. This amino acid position is conserved. In addition, this alteration is predicted to be tolerated by in silico analysis. Based on the available evidence, the clinical significance of this variant remains unclear.

Labcorp Genetics (formerly Invitae), Labcorp
Classification: Uncertain significance for Long QT syndrome. Last evaluated: 2025-09-20. Review status: criteria provided, single submitter. Criteria: Invitae Variant Classification Sherloc (09022015). Collection method: clinical testing. Allele origin: germline.
Comment: This sequence change replaces valine, which is neutral and non-polar, with isoleucine, which is neutral and non-polar, at codon 1975 of the ANK2 protein (p.Val1975Ile). This variant is present in population databases (rs765506339, gnomAD 0.002%). This variant has not been reported in the literature in individuals affected with ANK2-related conditions. An algorithm developed to predict the effect of missense changes on protein structure and function outputs the following: PolyPhen-2: "Benign". The isoleucine amino acid residue is found in multiple mammalian species, which suggests that this missense change does not adversely affect protein function. In summary, the available evidence is currently insufficient to determine the role of this variant in disease. Therefore, it has been classified as a Variant of Uncertain Significance.